The following is an entry in ClinVar:

ClinVar aggregate classification (germline): Benign/Likely benign. Review status: criteria provided, multiple submitters, no conflicts (2 of 4 stars). 8 submissions from 8 submitters: Benign (3); Likely benign (3). 2 of the submissions do not count toward it. Last evaluated 2026-03-01.

Conditions:
Diabetes mellitus, transient neonatal, 1 (TNDM1). Also called: Diabetes Mellitus, 6q24-Related Transient Neonatal. Identifiers: Orphanet 99886, MedGen C1832386, MONDO:0011073, OMIM 601410.

Allele frequency attached by ClinVar (database versions not stated): gnomAD exomes 0.00332 and 0.00360; ExAC 0.00337; 1000 Genomes Project 30x 0.00359; 1000 Genomes Project 0.00399; gnomAD 0.00527 and 0.00553; TOPMed 0.00589.

Submissions (8):

CeGaT Center for Human Genetics Tuebingen
Classification: Likely benign. Last evaluated: 2026-03-01. Review status: criteria provided, single submitter. Criteria: CeGaT Center For Human Genetics Tuebingen Variant Classification Criteria Version 2. Collection method: clinical testing. Allele origin: germline. Affected: yes. Observed: 2 variant alleles.
Comment: ZFP57: BP4, BP7, BS2

Labcorp Genetics (formerly Invitae), Labcorp
Classification: Benign. Last evaluated: 2026-01-25. Review status: criteria provided, single submitter. Criteria: Invitae Variant Classification Sherloc (09022015). Collection method: clinical testing. Allele origin: germline.

ARUP Laboratories, Molecular Genetics and Genomics, ARUP Laboratories
Classification: Likely benign for Diabetes mellitus, transient neonatal, 1. Last evaluated: 2023-08-16. Review status: criteria provided, single submitter. Criteria: ARUP Molecular Germline Variant Investigation Process 2024. Collection method: clinical testing. Allele origin: germline.

Fulgent Genetics
Classification: Likely benign for Diabetes mellitus, transient neonatal, 1. Last evaluated: 2022-05-19. Review status: criteria provided, single submitter. Criteria: ACMG Guidelines, 2015. Collection method: clinical testing. Allele origin: unknown.

Illumina Laboratory Services, Illumina
Classification: Benign for Diabetes mellitus, transient neonatal, 1. Last evaluated: 2017-04-27. Review status: criteria provided, single submitter. Criteria: ICSL Variant Classification Criteria 13 December 2019. Collection method: clinical testing. Allele origin: germline.
Comment: This variant was observed as part of a predisposition screen in an ostensibly healthy population. A literature search was performed for the gene, cDNA change, and amino acid change (where applicable). No publications were found based on this search. Allele frequency data from public databases was too high to be consistent with this variant causing disease. Therefore, this variant is classified as benign.

Genetic Services Laboratory, University of Chicago
Classification: Benign for AllHighlyPenetrant. Last evaluated: 2013-02-21. Review status: criteria provided, single submitter. Criteria: ACMG Guidelines, 2007. Collection method: clinical testing. Allele origin: germline. Inheritance: Autosomal recessive inheritance.

Clinical Genetics DNA and cytogenetics Diagnostics Lab, Erasmus MC, Erasmus Medical Center
Classification: Likely benign. Review status: no assertion criteria provided. Collection method: clinical testing. Allele origin: germline. Affected: yes. Study: VKGL Data-share Consensus. Not counted in ClinVar's aggregate classification.

Laboratory of Diagnostic Genome Analysis, Leiden University Medical Center (LUMC)
Classification: Likely benign. Review status: no assertion criteria provided. Collection method: clinical testing. Allele origin: germline. Affected: yes. Study: VKGL Data-share Consensus. Not counted in ClinVar's aggregate classification.

NM_001109809.5(ZFP57):c.783C>T (p.Cys261=)

Gene: ZFP57 (ZFP57 zinc finger protein; minus strand). Cytogenetic location: 6p22.1.
Variant type: single nucleotide variant.
Coding change: c.783C>T on transcript NM_001109809.5 (MANE Select); coding-DNA position 783, C replaced by T.
Protein change: p.Cys261=; no amino-acid change (cysteine 261 retained).
Molecular consequence: synonymous variant.
Genome position (GRCh38, 1-based): chr6:29,673,328, G>A on the plus strand (C>T on the coding strand, the complement: ZFP57 is on the minus strand). VCF-style: chr6-29673328-G-A. GRCh37 (hg19) VCF-style: chr6-29641105-G-A.
Other names: c.567C>T, p.Cys189= (NM_001366333.2).
Identifiers: ClinVar variation 130772 (VCV000130772.36), dbSNP rs61730328, ClinGen allele CA156041.